The following is an entry in ClinVar:

NM_000079.4(CHRNA1):c.1153C>A (p.Pro385Thr)

Gene: CHRNA1 (cholinergic receptor nicotinic alpha 1 subunit; minus strand). Cytogenetic location: 2q31.1.
Variant type: single nucleotide variant.
Coding change: c.1153C>A on transcript NM_000079.4 (MANE Select); coding-DNA position 1153, C replaced by A.
Protein change: p.Pro385Thr; replaces proline 385 with threonine.
Molecular consequence: missense variant.
Genome position (GRCh38, 1-based): chr2:174,748,669, G>T on the plus strand (C>A on the coding strand, the complement: CHRNA1 is on the minus strand). VCF-style: chr2-174748669-G-T. GRCh37 (hg19) VCF-style: chr2-175613397-G-T.
Other names: c.1228C>A, p.Pro410Thr (NM_001039523.3); short protein forms P385T, P410T.
Identifiers: ClinVar variation 3029250 (VCV003029250.2), dbSNP rs751153789, ClinGen allele CA349334638.
Genomic context (GRCh38, chr2:174,748,669, plus strand): 5'-TCTCTGCGATGTACTTGATGCCCTCGATGGCACTTTTCACCTCGGGGTGTTTGATCAGGG[G>T]AGAGTGGAAGCCCATGGGTGGAGGCCCTGGCTTTCCAGAAATGTCAGAGATATCAATGTC-3'
Protein context (NP_000070.1, residues 375-395): PGPPPMGFHS[Pro385Thr]LIKHPEVKSA

ClinVar aggregate classification (germline): Uncertain significance (0 of 4 stars; one submission).

Conditions:
CHRNA1-related disorder. Also called: CHRNA1-related condition.

Submission:

PreventionGenetics, part of Exact Sciences
Classification: Uncertain significance for CHRNA1-related condition. Last evaluated: 2024-02-20. Review status: no assertion criteria provided. Collection method: clinical testing. Allele origin: germline.
Comment: The CHRNA1 c.1228C>A variant is predicted to result in the amino acid substitution p.Pro410Thr. To our knowledge, this variant has not been reported in the literature or in a large population database, indicating this variant is rare. At this time, the clinical significance of this variant is uncertain due to the absence of conclusive functional and genetic evidence.